The following is an entry in ClinVar:

NM_001999.4(FBN2):c.6868A>C (p.Lys2290Gln)

Gene: FBN2 (fibrillin 2; minus strand). Cytogenetic location: 5q23.3.
Variant type: single nucleotide variant.
Coding change: c.6868A>C on transcript NM_001999.4 (MANE Select); coding-DNA position 6868, A replaced by C.
Protein change: p.Lys2290Gln; replaces lysine 2290 with glutamine.
Molecular consequence: missense variant.
Genome position (GRCh38, 1-based): chr5:128,287,320, T>G on the plus strand (A>C on the coding strand, the complement: FBN2 is on the minus strand). VCF-style: chr5-128287320-T-G. GRCh37 (hg19) VCF-style: chr5-127623012-T-G.
Other names: short protein forms K2290Q.
Identifiers: ClinVar variation 1330901 (VCV001330901.7), dbSNP rs2126817406, ClinGen allele CA360759450.

ClinVar aggregate classification (germline): Uncertain significance (1 of 4 stars; one submission).

Submission:

ARUP Laboratories, Molecular Genetics and Genomics, ARUP Laboratories
Classification: Uncertain significance. Last evaluated: 2021-02-04. Review status: criteria provided, single submitter. Criteria: ARUP Molecular Germline Variant Investigation Process 2021. Collection method: clinical testing. Allele origin: germline.
Comment: The FBN2 c.6868A>C, p.Lys2290Gln variant, to our knowledge, is not reported in the medical literature or gene specific databases. This variant is also absent from general population databases (Exome Variant Server, Genome Aggregation Database), indicating it is not a common polymorphism. The lysine at codon 2290 is moderately conserved, but computational analyses are uncertain whether this variant is neutral or deleterious (REVEL: 0.44). However, given the lack of clinical and functional data, the significance of the p.Lys2290Gln variant is uncertain at this time.